The following is an entry in ClinVar:

NM_001080421.3(UNC13A):c.847G>A (p.Asp283Asn)

Gene: UNC13A (unc-13 homolog A; minus strand). Cytogenetic location: 19p13.11.
Variant type: single nucleotide variant.
Coding change: c.847G>A on transcript NM_001080421.3 (MANE Select); coding-DNA position 847, G replaced by A.
Protein change: p.Asp283Asn; replaces aspartic acid 283 with asparagine.
Molecular consequence: missense variant.
Genome position (GRCh38, 1-based): chr19:17,656,319, C>T on the plus strand (G>A on the coding strand, the complement: UNC13A is on the minus strand). VCF-style: chr19-17656319-C-T. GRCh37 (hg19) VCF-style: chr19-17767128-C-T.
Other names: c.847G>A, p.Asp283Asn (NM_001387021.1, NM_001387022.1, NM_001387023.1); short protein forms D283N.
Identifiers: ClinVar variation 3032584 (VCV003032584.2), dbSNP rs773849413, ClinGen allele CA9298649.

ClinVar aggregate classification (germline): Likely benign (0 of 4 stars; one submission).

Conditions:
UNC13A-related disorder. Also called: UNC13A-related condition.

Allele frequency attached by ClinVar (database versions not stated): TOPMed 0.00005; gnomAD exomes 0.00008; ExAC 0.00009; gnomAD 0.00017.
gnomAD v4.1: 143 of 1,556,858 alleles (0.0092%); highest among the groups gnomAD compares: Non-Finnish European, 0.0076%; no homozygotes.

Submission:

PreventionGenetics, part of Exact Sciences
Classification: Likely benign for UNC13A-related condition. Last evaluated: 2022-11-28. Review status: no assertion criteria provided. Collection method: clinical testing. Allele origin: germline.
Comment: This variant is classified as likely benign based on ACMG/AMP sequence variant interpretation guidelines (Richards et al. 2015 PMID: 25741868, with internal and published modifications).